The following is an entry in ClinVar:

ClinVar aggregate classification (germline): Likely benign (1 of 4 stars; one submission).

Conditions:
MC3R-related disorder. Also called: MC3R-related condition.

Submission:

PreventionGenetics, part of Exact Sciences
Classification: Likely benign for MC3R-related condition. Last evaluated: 2025-08-29. Review status: criteria provided, single submitter. Criteria: ACMG Guidelines, 2015. Collection method: clinical testing. Allele origin: germline.
Comment: This variant is classified as likely benign based on ACMG/AMP sequence variant interpretation guidelines (Richards et al. 2015 PMID: 25741868, with internal and published modifications).

NM_019888.3(MC3R):c.198C>T (p.Asn66=)

Gene: MC3R (melanocortin 3 receptor; plus strand). Cytogenetic location: 20q13.2.
Variant type: single nucleotide variant.
Coding change: c.198C>T on transcript NM_019888.3 (MANE Select); coding-DNA position 198, C replaced by T.
Protein change: p.Asn66=; no amino-acid change (asparagine 66 retained).
Molecular consequence: synonymous variant.
Genome position (GRCh38, 1-based): chr20:56,249,041, C>T. VCF-style: chr20-56249041-C-T. GRCh37 (hg19) VCF-style: chr20-54824097-C-T.
Identifiers: ClinVar variation 4989162 (VCV004989162.1).